The following is an entry in ClinVar:

ClinVar aggregate classification (germline): Uncertain significance (1 of 4 stars; one submission).

Conditions:
Hypertrophic cardiomyopathy. Also called: HYPERTROPHIC MYOCARDIOPATHY. Identifiers: Orphanet 217569, MedGen C0007194, MeSH D002312, MONDO:0005045, HP:0001639.

gnomAD v4.1: 1 of 1,614,156 alleles (0.000062%); highest among the groups gnomAD compares: Non-Finnish European, 0.000085%; no homozygotes.

Submission:

Labcorp Genetics (formerly Invitae), Labcorp
Classification: Uncertain significance for Hypertrophic cardiomyopathy. Last evaluated: 2025-02-09. Review status: criteria provided, single submitter. Criteria: Invitae Variant Classification Sherloc (09022015). Collection method: clinical testing. Allele origin: germline.
Comment: This sequence change replaces arginine, which is basic and polar, with glutamine, which is neutral and polar, at codon 69 of the JPH2 protein (p.Arg69Gln). This variant is not present in population databases (gnomAD no frequency). This variant has not been reported in the literature in individuals affected with JPH2-related conditions. An algorithm developed to predict the effect of missense changes on protein structure and function (PolyPhen-2) suggests that this variant is likely to be disruptive. In summary, the available evidence is currently insufficient to determine the role of this variant in disease. Therefore, it has been classified as a Variant of Uncertain Significance.

NM_020433.5(JPH2):c.206G>A (p.Arg69Gln)

Gene: JPH2 (junctophilin 2; minus strand). Cytogenetic location: 20q13.12.
Variant type: single nucleotide variant.
Coding change: c.206G>A on transcript NM_020433.5 (MANE Select); coding-DNA position 206, G replaced by A.
Protein change: p.Arg69Gln; replaces arginine 69 with glutamine.
Molecular consequence: missense variant.
Genome position (GRCh38, 1-based): chr20:44,186,500, C>T on the plus strand (G>A on the coding strand, the complement: JPH2 is on the minus strand). VCF-style: chr20-44186500-C-T. GRCh37 (hg19) VCF-style: chr20-42815140-C-T.
Other names: c.206G>A, p.Arg69Gln (NM_175913.4); short protein forms R69Q.
Identifiers: ClinVar variation 4712627 (VCV004712627.1).